The following is an entry in ClinVar:

ClinVar aggregate classification (germline): Uncertain significance (1 of 4 stars; one submission).

Conditions:
Developmental and epileptic encephalopathy, 53. Also called: Epileptic encephalopathy, early infantile, 53. Identifiers: MedGen C4479313, MONDO:0033362, OMIM 617389.
Early-onset Parkinson disease 20. Also called: PARKINSON DISEASE 20, AUTOSOMAL RECESSIVE EARLY-ONSET. Identifiers: Orphanet 391411, MedGen C3809824, MONDO:0014233, OMIM 615530.

Submission:

Labcorp Genetics (formerly Invitae), Labcorp
Classification: Uncertain significance for Developmental and epileptic encephalopathy, 53; Early-onset Parkinson disease 20. Last evaluated: 2024-12-02. Review status: criteria provided, single submitter. Criteria: Invitae Variant Classification Sherloc (09022015). Collection method: clinical testing. Allele origin: germline.
Comment: This sequence change replaces glycine, which is neutral and non-polar, with aspartic acid, which is acidic and polar, at codon 1314 of the SYNJ1 protein (p.Gly1314Asp). This variant is not present in population databases (gnomAD no frequency). This variant has not been reported in the literature in individuals affected with SYNJ1-related conditions. ClinVar contains an entry for this variant (Variation ID: 2104268). An algorithm developed to predict the effect of missense changes on protein structure and function (PolyPhen-2) suggests that this variant¬¨‚Ä†is likely to be tolerated. In summary, the available evidence is currently insufficient to determine the role of this variant in disease. Therefore, it has been classified as a Variant of Uncertain Significance.

NM_203446.3(SYNJ1):c.3824G>A (p.Gly1275Asp)

Gene: SYNJ1 (synaptojanin 1; minus strand). Cytogenetic location: 21q22.11.
Variant type: single nucleotide variant.
Coding change: c.3824G>A on transcript NM_203446.3 (MANE Select); coding-DNA position 3824, G replaced by A.
Protein change: p.Gly1275Asp; replaces glycine 1275 with aspartic acid.
Molecular consequence: missense variant.
Genome position (GRCh38, 1-based): chr21:32,638,999, C>T on the plus strand (G>A on the coding strand, the complement: SYNJ1 is on the minus strand). VCF-style: chr21-32638999-C-T. GRCh37 (hg19) VCF-style: chr21-34011309-C-T.
Other names: c.3776G>A, p.Gly1259Asp (NM_001160302.2); c.3683G>A, p.Gly1228Asp (NM_001160306.2); c.3941G>A, p.Gly1314Asp (NM_003895.4); short protein forms G1228D, G1275D, G1259D, G1314D.
Identifiers: ClinVar variation 2104268 (VCV002104268.3), dbSNP rs1601231155, ClinGen allele CA410086805.